The following is an entry in ClinVar:

ClinVar aggregate classification (germline): Uncertain significance (1 of 4 stars; one submission).

Conditions:
Atrial fibrillation, familial, 6 (ATFB6). Identifiers: MedGen C2677294, MONDO:0012816, OMIM 612201.

Allele frequency attached by ClinVar (database versions not stated): gnomAD exomes 0.00001; TOPMed 0.00001; ExAC 0.00002.

Submission:

Labcorp Genetics (formerly Invitae), Labcorp
Classification: Uncertain significance for Atrial fibrillation, familial, 6. Last evaluated: 2024-08-13. Review status: criteria provided, single submitter. Criteria: Invitae Variant Classification Sherloc (09022015). Collection method: clinical testing. Allele origin: germline.
Comment: This sequence change replaces aspartic acid, which is acidic and polar, with histidine, which is basic and polar, at codon 106 of the NPPA protein (p.Asp106His). This variant is present in population databases (rs773332563, gnomAD 0.02%). This variant has not been reported in the literature in individuals affected with NPPA-related conditions. ClinVar contains an entry for this variant (Variation ID: 998849). An algorithm developed to predict the effect of missense changes on protein structure and function (PolyPhen-2) suggests that this variant is likely to be disruptive. In summary, the available evidence is currently insufficient to determine the role of this variant in disease. Therefore, it has been classified as a Variant of Uncertain Significance.

NM_006172.4(NPPA):c.316G>C (p.Asp106His)

Genes: NPPA (natriuretic peptide A; minus strand), NPPA-AS1 (NPPA antisense RNA 1; plus strand), LOC114827827 (VISTA enhancer hs2123; plus strand). Cytogenetic location: 1p36.22.
Variant type: single nucleotide variant.
Coding change: c.316G>C on transcript NM_006172.4 (MANE Select); coding-DNA position 316, G replaced by C.
Protein change: p.Asp106His; replaces aspartic acid 106 with histidine.
Molecular consequence: missense variant.
Genome position (GRCh38, 1-based): chr1:11,847,247, C>G on the plus strand (G>C on the coding strand, the complement: NPPA is on the minus strand). VCF-style: chr1-11847247-C-G. GRCh37 (hg19) VCF-style: chr1-11907304-C-G.
Other names: short protein forms D106H.
Identifiers: ClinVar variation 998849 (VCV000998849.8), dbSNP rs773332563, ClinGen allele CA597033.